The following is an entry in ClinVar:

NM_080476.5(PIGU):c.867T>C (p.Phe289=)

Gene: PIGU (phosphatidylinositol glycan anchor biosynthesis class U; minus strand). Cytogenetic location: 20q11.22.
Variant type: single nucleotide variant.
Coding change: c.867T>C on transcript NM_080476.5 (MANE Select); coding-DNA position 867, T replaced by C.
Protein change: p.Phe289=; no amino-acid change (phenylalanine 289 retained).
Molecular consequence: synonymous variant.
Genome position (GRCh38, 1-based): chr20:34,585,496, A>G on the plus strand (T>C on the coding strand, the complement: PIGU is on the minus strand). VCF-style: chr20-34585496-A-G. GRCh37 (hg19) VCF-style: chr20-33173300-A-G.
Identifiers: ClinVar variation 2110897 (VCV002110897.4), dbSNP rs1328342703, ClinGen allele CA510277187.
Genomic context (GRCh38, chr20:34,585,496, plus strand): 5'-CTTTAGCTTTATGGCTAAGGGGATGGTGTAGAAGAAGACGTTGATCTGAAACACACATAC[A>G]AAGAAGAGGCTGAAGTGCTCAAACATCTCTGCAAAGAAGTACCAGAAAAGACCAATGTTT-3'
Protein context (NP_536724.1, residues 279-299): AEMFEHFSLF[Phe289=]VCVFQINVFF

ClinVar aggregate classification (germline): Uncertain significance (1 of 4 stars; one submission).

Allele frequency attached by ClinVar (database versions not stated): gnomAD exomes below 0.00001.
gnomAD v4.1: 1 of 1,613,880 alleles (0.000062%); highest among the groups gnomAD compares: Admixed American, 0.0017%; no homozygotes.

Submission:

Labcorp Genetics (formerly Invitae), Labcorp
Classification: Uncertain significance. Last evaluated: 2022-03-13. Review status: criteria provided, single submitter. Criteria: Invitae Variant Classification Sherloc (09022015). Collection method: clinical testing. Allele origin: germline.
Comment: In summary, the available evidence is currently insufficient to determine the role of this variant in disease. Therefore, it has been classified as a Variant of Uncertain Significance. Algorithms developed to predict the effect of sequence changes on RNA splicing suggest that this variant may disrupt the consensus splice site. This variant has not been reported in the literature in individuals affected with PIGU-related conditions. This variant is present in population databases (no rsID available, gnomAD 0.003%). This sequence change affects codon 289 of the PIGU mRNA. It is a 'silent' change, meaning that it does not change the encoded amino acid sequence of the PIGU protein.